The following is an entry in ClinVar:

NM_145207.3(AFG2A):c.1977G>C (p.Gln659His)

Gene: AFG2A (AFG2 AAA ATPase homolog A; plus strand). Cytogenetic location: 4q28.1.
Variant type: single nucleotide variant.
Coding change: c.1977G>C on transcript NM_145207.3 (MANE Select); coding-DNA position 1977, G replaced by C.
Protein change: p.Gln659His; replaces glutamine 659 with histidine.
Molecular consequence: missense variant.
Genome position (GRCh38, 1-based): chr4:123,028,293, G>C. VCF-style: chr4-123028293-G-C. GRCh37 (hg19) VCF-style: chr4-123949448-G-C.
Other names: c.1974G>C, p.Gln658His (NM_001317799.2, NM_001345856.2); c.1977G>C (NM_145207.2); short protein forms Q658H, Q659H.
Identifiers: ClinVar variation 1508061 (VCV001508061.5), dbSNP rs938697793, ClinGen allele CA104839894.

ClinVar aggregate classification (germline): Uncertain significance. Review status: criteria provided, multiple submitters, no conflicts (2 of 4 stars). 2 submissions from 2 submitters: Uncertain significance (2). Last evaluated 2025-02-09.

Conditions:
Microcephaly-intellectual disability-sensorineural hearing loss-epilepsy-abnormal muscle tone syndrome (NEDHSB). Also called: NEURODEVELOPMENTAL DISORDER WITH HEARING LOSS, SEIZURES, AND BRAIN ABNORMALITIES. Identifiers: Orphanet 457351, MedGen C4225276, MONDO:0014698, OMIM 616577.
Inborn genetic diseases. Identifiers: MedGen C0950123, MeSH D030342.

Allele frequency attached by ClinVar (database versions not stated): gnomAD exomes below 0.00001; TOPMed 0.00004; gnomAD 0.00005.
gnomAD v4.1: 11 of 1,614,010 alleles (0.00068%); highest among the groups gnomAD compares: African/African-American, 0.013%; no homozygotes.

Submissions (2):

Ambry Genetics
Classification: Uncertain significance for Inborn genetic diseases. Last evaluated: 2025-02-09. Review status: criteria provided, single submitter. Criteria: Ambry Variant Classification Scheme 2023. Collection method: clinical testing. Allele origin: germline.

Labcorp Genetics (formerly Invitae), Labcorp
Classification: Uncertain significance for Microcephaly-intellectual disability-sensorineural hearing loss-epilepsy-abnormal muscle tone syndrome. Last evaluated: 2024-10-22. Review status: criteria provided, single submitter. Criteria: Invitae Variant Classification Sherloc (09022015). Collection method: clinical testing. Allele origin: germline.
Comment: This sequence change replaces glutamine, which is neutral and polar, with histidine, which is basic and polar, at codon 659 of the SPATA5 protein (p.Gln659His). This variant is present in population databases (no rsID available, gnomAD 0.01%). This variant has not been reported in the literature in individuals affected with SPATA5-related conditions. ClinVar contains an entry for this variant (Variation ID: 1508061). Invitae Evidence Modeling of protein sequence and biophysical properties (such as structural, functional, and spatial information, amino acid conservation, physicochemical variation, residue mobility, and thermodynamic stability) has been performed for this missense variant. However, the output from this modeling did not meet the statistical confidence thresholds required to predict the impact of this variant on SPATA5 protein function. In summary, the available evidence is currently insufficient to determine the role of this variant in disease. Therefore, it has been classified as a Variant of Uncertain Significance.